The following is an entry in ClinVar:

NM_001122955.4(BSCL2):c.742T>C (p.Tyr248His)

Genes: BSCL2 (BSCL2 lipid droplet biogenesis associated, seipin; minus strand), HNRNPUL2-BSCL2 (HNRNPUL2-BSCL2 readthrough (NMD candidate); minus strand). Cytogenetic location: 11q12.3.
Variant type: single nucleotide variant.
Coding change: c.742T>C on transcript NM_001122955.4 (MANE Select); coding-DNA position 742, T replaced by C.
Protein change: p.Tyr248His; replaces tyrosine 248 with histidine.
Molecular consequence: missense variant. On other transcripts: non-coding transcript variant (1).
Genome position (GRCh38, 1-based): chr11:62,692,686, A>G on the plus strand (T>C on the coding strand, the complement: BSCL2 is on the minus strand). VCF-style: chr11-62692686-A-G. GRCh37 (hg19) VCF-style: chr11-62460158-A-G.
Other names: c.550T>C, p.Tyr184His (NM_001130702.2, NM_032667.6); c.742T>C, p.Tyr248His (NM_001386027.1, NM_001386028.1); short protein forms Y184H, Y248H.
Identifiers: ClinVar variation 1045204 (VCV001045204.8), dbSNP rs1945345474, ClinGen allele CA380962606.

ClinVar aggregate classification (germline): Uncertain significance (1 of 4 stars; one submission).

Conditions:
Charcot-Marie-Tooth disease type 2. Also called: Charcot-Marie-Tooth type 2. Identifiers: Orphanet 64746, MedGen C0270914, MONDO:0018993.

Submission:

Labcorp Genetics (formerly Invitae), Labcorp
Classification: Uncertain significance for Charcot-Marie-Tooth disease type 2. Last evaluated: 2023-02-11. Review status: criteria provided, single submitter. Criteria: Invitae Variant Classification Sherloc (09022015). Collection method: clinical testing. Allele origin: germline.
Comment: This sequence change replaces tyrosine, which is neutral and polar, with histidine, which is basic and polar, at codon 184 of the BSCL2 protein (p.Tyr184His). This variant is not present in population databases (gnomAD no frequency). This variant has not been reported in the literature in individuals affected with BSCL2-related conditions. ClinVar contains an entry for this variant (Variation ID: 1045204). Advanced modeling of protein sequence and biophysical properties (such as structural, functional, and spatial information, amino acid conservation, physicochemical variation, residue mobility, and thermodynamic stability) performed at Invitae indicates that this missense variant is expected to disrupt BSCL2 protein function. In summary, the available evidence is currently insufficient to determine the role of this variant in disease. Therefore, it has been classified as a Variant of Uncertain Significance.